The following continues an entry in ClinVar:

NM_000435.3(NOTCH3):c.1732C>T (p.Arg578Cys)

Gene: NOTCH3. ClinVar aggregate classification (germline): Pathogenic/Likely pathogenic. Pathogenic (5); Likely pathogenic (6).

Submissions 7 to 12 of 12:

3billion
Classification: Pathogenic for Cerebral arteriopathy, autosomal dominant, with subcortical infarcts and leukoencephalopathy, type 1. Last evaluated: 2024-06-28. Review status: criteria provided, single submitter. Criteria: ACMG Guidelines, 2015. Collection method: clinical testing. Allele origin: germline. Affected: yes.
Comment: The variant is observed at an extremely low frequency in the gnomAD v4.0.0 dataset (total allele frequency: 0.002%). Predicted Consequence/Location: The variant is located in a mutational hot spot and/or well-established functional domain in which established pathogenic variants have been reported (PMID: 35822697). Missense changes are a common disease-causing mechanism. In silico tool predictions suggest damaging effect of the variant on gene or gene product [REVEL: 0.64 (>=0.6, sensitivity 0.68 and specificity 0.92)]. The same nucleotide change resulting in the same amino acid change has been previously reported as pathogenic/likely pathogenic with strong evidence (ClinVar ID: VCV000808496 /PMID: 8878478). Therefore, this variant is classified as Pathogenic according to the recommendation of ACMG/AMP guideline.

Blueprint Genetics
Classification: Likely pathogenic for NOTCH3-related disorders. Last evaluated: 2024-04-25. Review status: criteria provided, single submitter. Criteria: ACMG Guidelines, 2015. Collection method: clinical testing. Allele origin: germline. Affected: yes. Observed: 5 variant alleles.

Victorian Clinical Genetics Services, Murdoch Childrens Research Institute
Classification: Pathogenic for Cerebral arteriopathy, autosomal dominant, with subcortical infarcts and leukoencephalopathy, type 1. Last evaluated: 2023-12-21. Review status: criteria provided, single submitter. Criteria: ACMG Guidelines, 2015. Collection method: clinical testing. Allele origin: germline. Inheritance: Autosomal dominant inheritance. Affected: yes.
Comment: Based on the classification scheme VCGS_Germline_v1.3.4, this variant is classified as Pathogenic. Following criteria are met: 0105 - The mechanism of this disease for this gene is not clearly established. Both loss of function and dominant negative have been suggested as mechanisms in CADASIL (MIM#125310), however lateral meningocele syndrome (MIM#130720) results from a gain of function (GeneReviews; PMID: 24844136, 32231578). (I) 0107 - This gene is associated with autosomal dominant disease. (I) 0200 - Variant is predicted to result in a missense amino acid change from arginine to cysteine. (I) 0251 - This variant is heterozygous. (I) 0302 - Variant is present in gnomAD (v2 and v3) <0.001 for a dominant condition (14 heterozygotes, 0 homozygotes). (SP) 0309 - Multiple alternative amino acid changes at the same position, from arginine to histidine and from arginine to leucine, have been observed in gnomAD (v2) (2 heterozygotes, 0 homozygotes, for both changes). (I) 0502 - Missense variant with conflicting in silico predictions and uninformative conservation. (I) 0600 - Variant is located in an annotated EGF-like domain (DECIPHER). (I) 0801 - This variant has strong previous evidence of pathogenicity in unrelated individuals. It has been reported in at least ten unrelated individuals diagnosed with CADASIL (PMID: 34352628, 31554780, 30311053, 20038773, 19153638, 17135558, 9388399; ClinVar). (SP) 1101 - Very strong and specific phenotype match for this individual. (SP) 1208 - Inheritance information for this variant is not currently available in this individual. (I) Legend: (SP) - Supporting pathogenic, (I) - Information, (SB) - Supporting benign

CeGaT Center for Human Genetics Tuebingen
Classification: Likely pathogenic. Last evaluated: 2017-01-01. Review status: criteria provided, single submitter. Criteria: CeGaT Center For Human Genetics Tuebingen Variant Classification Criteria Version 2. Collection method: clinical testing. Allele origin: germline. Affected: yes. Observed: 1 variant allele.

Clinical Genetics Service, Universitary Hospital 12 de Octubre
Classification: Pathogenic for Cerebral arteriopathy, autosomal dominant, with subcortical infarcts and leukoencephalopathy, type 1. Review status: criteria provided, single submitter. Criteria: ACMG Guidelines, 2015. Collection method: clinical testing. Allele origin: germline. Affected: yes.

PreventionGenetics, part of Exact Sciences
Classification: Likely pathogenic for NOTCH3-related condition. Last evaluated: 2024-02-14. Review status: no assertion criteria provided. Collection method: clinical testing. Allele origin: germline. Not counted in ClinVar's aggregate classification.
Comment: The NOTCH3 c.1732C>T variant is predicted to result in the amino acid substitution p.Arg578Cys. This variant has been reported in several unrelated individuals with cerebral autosomal dominant arteriopathy with subcortical infarcts and leukoencephalopathy (CADASIL) (Joutel et al. 1996. PubMed ID: 8878478; Choi et al. 2006. PubMed ID: 17135568; Tikka et al. 2009. PubMed ID: 19174371; Qin et al. 2019. PubMed ID: 31554780). It was also observed in the homozygous state in an individual with mild symptoms (Liem et al. 2008. PubMed ID: 19153638). Notably, it was also observed in one individual in an unaffected elderly control cohort (Sassi et al. 2018. PubMed ID: 29544907). Most CADASIL causing variants in the NOTCH3 gene result in the gain or loss of one or more cysteine residues in the extracellular domain of the protein, as seen in this patient. This patient’s variant alters a cysteine residue and is located in the extracellular EGF-like domain 14. Pathogenic variants in EGF-like domains 1-6 appear to be fully penetrant and are usually associated with the classical CADASIL phenotype. However, there is variability in disease severity. Pathogenic variants in EGF-like domains 7-34 have a much higher population frequency, and can predispose to a milder small-vessel disease, possibly even displaying incomplete or at least very late onset complete penetrance (OMIM #125310; Rutten et al. 2016. PubMed ID: 27844030; Rutten et al. 2019. PubMed ID: 30032161). We classify this variant as likely pathogenic.

Literature cited by the submitters: PubMed 8878478 (cited by 5 submitters); PubMed 17135568 (cited by 4 submitters); PubMed 19153638 (cited by 5 submitters); PubMed 20038773 (cited by 5 submitters); PubMed 30311053 (cited by 3 submitters); PubMed 31554780 (cited by 5 submitters); PubMed 19174371 (cited by Mayo Clinic Laboratories, Mayo Clinic); PubMed 22259617 (cited by Mayo Clinic Laboratories, Mayo Clinic and Athena Diagnostics); PubMed 24344756 (cited by Mayo Clinic Laboratories, Mayo Clinic); PubMed 26308724 (cited by Mayo Clinic Laboratories, Mayo Clinic); PubMed 27844030 (cited by Mayo Clinic Laboratories, Mayo Clinic); PubMed 28555127 (cited by Mayo Clinic Laboratories, Mayo Clinic and Athena Diagnostics); PubMed 29544907 (cited by Mayo Clinic Laboratories, Mayo Clinic and Athena Diagnostics); PubMed 31996268 (cited by Mayo Clinic Laboratories, Mayo Clinic); PubMed 32573853 (cited by Mayo Clinic Laboratories, Mayo Clinic and Athena Diagnostics); PubMed 32732295 (cited by Mayo Clinic Laboratories, Mayo Clinic); PubMed 33712516 (cited by Mayo Clinic Laboratories, Mayo Clinic and Athena Diagnostics); PubMed 34297860 (cited by Mayo Clinic Laboratories, Mayo Clinic); PubMed 34352628 (cited by 3 submitters); PubMed 34741685 (cited by Mayo Clinic Laboratories, Mayo Clinic); PubMed 34881353 (cited by Mayo Clinic Laboratories, Mayo Clinic); PubMed 35300531 (cited by Mayo Clinic Laboratories, Mayo Clinic and Athena Diagnostics); PubMed 36221938 (cited by Mayo Clinic Laboratories, Mayo Clinic and Athena Diagnostics); PubMed 36535904 (cited by Mayo Clinic Laboratories, Mayo Clinic); PubMed 36541592 (cited by Mayo Clinic Laboratories, Mayo Clinic); PubMed 37526664 (cited by Mayo Clinic Laboratories, Mayo Clinic); PubMed 39869842 (cited by Mayo Clinic Laboratories, Mayo Clinic); PubMed 40265482 (cited by Mayo Clinic Laboratories, Mayo Clinic); PubMed 24139282 (cited by Athena Diagnostics); PubMed 27245348 (cited by Athena Diagnostics); PubMed 20975277 (cited by Athena Diagnostics); PubMed 21852154 (cited by Athena Diagnostics); PubMed 25344745 (cited by Athena Diagnostics); PubMed 32122318 (cited by Athena Diagnostics); PubMed 35822697 (cited by 3billion); PubMed 3435268 (cited by Victorian Clinical Genetics Services, Murdoch Childrens Research Institute); PubMed 9388399 (cited by Victorian Clinical Genetics Services, Murdoch Childrens Research Institute); PubMed 17135558 (cited by Victorian Clinical Genetics Services, Murdoch Childrens Research Institute); PubMed 24844136 (cited by Victorian Clinical Genetics Services, Murdoch Childrens Research Institute); PubMed 32231578 (cited by Victorian Clinical Genetics Services, Murdoch Childrens Research Institute).